The following is an entry in ClinVar:

NM_007294.4(BRCA1):c.4951T>C (p.Ser1651Pro)

Gene: BRCA1 (BRCA1 DNA repair associated; minus strand). Cytogenetic location: 17q21.31.
Variant type: single nucleotide variant.
Coding change: c.4951T>C on transcript NM_007294.4 (MANE Select); coding-DNA position 4951, T replaced by C.
Protein change: p.Ser1651Pro; replaces serine 1651 with proline.
Molecular consequence: missense variant. On other transcripts: non-coding transcript variant (1).
Genome position (GRCh38, 1-based): chr17:43,070,963, A>G on the plus strand (T>C on the coding strand, the complement: BRCA1 is on the minus strand). VCF-style: chr17-43070963-A-G. GRCh37 (hg19) VCF-style: chr17-41222980-A-G.
Other names: c.1516T>C, p.Ser506Pro (NM_001408435.1, NM_001408436.1, NM_001408437.1 and 10 more transcripts); c.1507T>C, p.Ser503Pro (NM_001408451.1); c.1501T>C, p.Ser501Pro (NM_001408452.1, NM_001408453.1, NM_001408454.1 and 3 more transcripts); c.1498T>C, p.Ser500Pro (NM_001408458.1, NM_001408459.1, NM_001408460.1 and 7 more transcripts); c.1495T>C, p.Ser499Pro (NM_001408470.1, NM_001408468.1, NM_001408469.1); c.1639T>C, p.Ser547Pro (NM_001408472.1, NM_007298.4, NM_007299.4 and 13 more transcripts); c.1636T>C, p.Ser546Pro (NM_001408473.1, NM_001408392.1, NM_001408396.1 and 8 more transcripts); c.1441T>C, p.Ser481Pro (NM_001408474.1); and 70 more; short protein forms S1651P, S1672P, S1604P, S547P, S1354P, S1497P, S1523P, S1524P.
Identifiers: ClinVar variation 246002 (VCV000246002.12), dbSNP rs879254042, ClinGen allele CA10584551.

ClinVar aggregate classification (germline): Conflicting classifications of pathogenicity. Review status: criteria provided, conflicting classifications (1 of 4 stars). 6 submissions from 6 submitters: Likely pathogenic (2); Uncertain significance (4). Last evaluated 2025-08-12.

Conditions:
Hereditary cancer-predisposing syndrome. Also called: Hereditary Cancer Syndrome; Neoplastic Syndromes, Hereditary; Hereditary neoplastic syndrome; Tumor predisposition. Identifiers: Orphanet 140162, MedGen C0027672, MeSH D009386, MONDO:0015356.
Hereditary breast ovarian cancer syndrome. Also called: Hereditary breast and ovarian cancer syndrome (HBOC); Breast and ovarian cancer; Hereditary breast and ovarian cancer syndrome; Hereditary breast and ovarian cancer; BRCA1- and BRCA2-Associated Hereditary Breast and Ovarian Cancer; Hereditary breast and/or ovarian cancer syndrome. Identifiers: Orphanet 145, MedGen C0677776, MeSH D061325, MONDO:0003582. Disease mechanism: loss of function.
Breast-ovarian cancer, familial, susceptibility to, 1 (BROVCA1). Also called: BRCA1 Hereditary Breast and Ovarian Cancer; OVARIAN CANCER, SUSCEPTIBILITY TO. Identifiers: Orphanet 145, MedGen C2676676, MONDO:0011450, OMIM 604370. Disease mechanism: loss of function.

Submissions (7):

German Consortium for Hereditary Breast and Ovarian Cancer, University Hospital Cologne
Classification: Likely pathogenic for Hereditary breast ovarian cancer syndrome. Last evaluated: 2025-08-12. Review status: criteria provided, single submitter. Criteria: ClinGen BRCA1 V1.1.0. Collection method: curation. Allele origin: germline.
Comment: This classification follows the ClinGen ENIGMA BRCA1 v1.1.0 classification scheme; We chose these criteria: PS3 (strong pathogenic): Reported by three calibrated studies to exhibit protein function similar to pathogenic control variants (PMIDs:30209399, 32546644, 30765603), PM2 (supporting pathogenic): absent from gnomAD v2/3/4, PP3 (supporting pathogenic): missense variant inside a (potentially) clinically important functional domain and predicted impact via protein change BayesDel no-AF score 0.360188 (thus > 0.28)

Institute of Immunology and Genetics Kaiserslautern
Classification: Uncertain significance for Breast-ovarian cancer, familial, susceptibility to, 1. Last evaluated: 2025-07-31. Review status: criteria provided, single submitter. Criteria: ACMG Guidelines, 2015. Collection method: clinical testing. Allele origin: germline. Affected: yes.
Comment: ACMG Criteria: PS3_P, PM2_P, PP3; Variant was found in heterozygous state.

Center for Genomic Medicine, Rigshospitalet, Copenhagen University Hospital
Classification: Likely pathogenic. Last evaluated: 2025-03-04. Review status: criteria provided, single submitter. Criteria: ACMG Guidelines, 2015. Collection method: clinical testing. Allele origin: germline.

Ambry Genetics
Classification: Uncertain significance for Hereditary cancer-predisposing syndrome. Last evaluated: 2020-12-03. Review status: criteria provided, single submitter. Criteria: Ambry General Variant Classification Scheme_2022. Collection method: clinical testing. Allele origin: germline. Observed: 1 variant allele.
Comment: The p.S1651P variant (also known as c.4951T>C), located in coding exon 14 of the BRCA1 gene, results from a T to C substitution at nucleotide position 4951. The serine at codon 1651 is replaced by proline, an amino acid with similar properties. This alteration was shown to disrupt the function of the protein in multiple functional studies using different assays (Findlay GM et al. Nature, 2018 10;562:217-222; Fernandes VC et al. J Biol Chem, 2019 04;294:5980-5992; Bouwman P et al. Clin Cancer Res, 2020 Sep;26:4559-4568). This alteration was observed in with an allele frequency of 0.00014 in 7,051 unselected female breast cancer patients and was observed with an allele frequency of 0 in 11,241 female controls of Japanese ancestry (Momozawa Y et al. Nat Commun, 2018 10;9:4083). This amino acid position is highly conserved in available vertebrate species. In addition, the in silico prediction for this alteration is inconclusive. Since supporting evidence is limited at this time, the clinical significance of this alteration remains unclear.

Women's Health and Genetics/Laboratory Corporation of America, LabCorp
Classification: Uncertain significance. Last evaluated: 2017-05-18. Review status: criteria provided, single submitter. Criteria: LabCorp Variant Classification Summary - May 2015. Collection method: clinical testing. Allele origin: germline.
Comment: Variant summary: The BRCA1 c.4951T>C (p.Ser1651Pro) variant located in the BRCT domain (InterPro) involves the alteration of a conserved nucleotide and 5/5 in silico tools predict damaging outcome for this variant and structural analysis is also consistent with such outcome (Karchin_2007). This variant is absent in 121406 control chromosomes from ExAC and has also not been reported in affected individuals in the literature to our knowledge. One clinical diagnostic laboratory has classified this variant as "uncertain significance," without evidence to independently evaluate. The variant was assessed for its ability to functionally complement BRCA1-deficient mouse embryonic stem cells, however, results for this variant were ambivalent (Bouwman_2013). Another missense change at the same residue, p.S1651F, has been reported once by BIC and is classified as uncertain significance by a laboratory in ClinVar. Thus, this variant is currently classified as a "Variant of Uncertain Significance (VUS)," due to lack of sufficient clinical and functional studies at this time.

GeneDx
Classification: Uncertain significance. Last evaluated: 2015-10-23. Review status: criteria provided, single submitter. Criteria: GeneDx Variant Classification (06012015). Collection method: clinical testing. Allele origin: germline. Affected: yes.
Comment: This variant is denoted BRCA1 c.4951T>C at the cDNA level, p.Ser1651Pro (S1651P) at the protein level, and results in the change of a Serine to a Proline (TCC>CCC). Using alternate nomenclature, this variant would be defined as BRCA1 5070T>C. This variant has been evaluated in a cisplatin response based functional assay but yielded ambivalent results (Bouwman 2013). BRCA1 Ser1651Pro was not observed in approximately 6,500 individuals of European and African American ancestry in the NHLBI Exome Sequencing Project, suggesting it is not a common benign variant in these populations. Since Serine and Proline differ in polarity, charge, size or other properties, this is considered a non-conservative amino acid substitution. BRCA1 Ser1651Pro occurs at a position that is conserved in mammals and is located in the BRCT1 and DNA binding domains as well as a region known to interact with multiple other proteins (Narod 2004, Paul 2014). In silico analyses predict that this variant is probably damaging to protein structure and function. Based on currently available evidence, it is unclear whether BRCA1 Ser1651Pro is a pathogenic or benign variant. We consider it to be a variant of uncertain significance.

Brotman Baty Institute, University of Washington
No classification provided (evidence only). Condition: Breast-ovarian cancer, familial 1. Review status: no classification provided. Collection method: in vitro. Allele origin: not applicable. Functional consequence: functionally_abnormal. Not counted in ClinVar's aggregate classification.
ClinVar note: "not provided" was previously submitted as the classification for the variant. However, the classification appeared to be based only on an observation of functional data so it was converted to no classification on 2025-07-30.

Literature cited by the submitters: PubMed 30209399 (cited by Center for Genomic Medicine, Rigshospitalet, Copenhagen University Hospital and Ambry Genetics); PubMed 32546644 (cited by Center for Genomic Medicine, Rigshospitalet, Copenhagen University Hospital and Ambry Genetics); PubMed 23867111 (cited by Ambry Genetics and Women's Health and Genetics/Laboratory Corporation of America, LabCorp); PubMed 30287823 (cited by Ambry Genetics); PubMed 30725392 (cited by Ambry Genetics); PubMed 30765603 (cited by Ambry Genetics); PubMed 32257056 (cited by Ambry Genetics); PubMed 19370767 (cited by Women's Health and Genetics/Laboratory Corporation of America, LabCorp); PubMed 23231788 (cited by Women's Health and Genetics/Laboratory Corporation of America, LabCorp).